The following is an entry in ClinVar:

ClinVar aggregate classification (germline): Uncertain significance (1 of 4 stars; one submission).

gnomAD v4.1: 14 of 1,614,148 alleles (0.00087%); highest among the groups gnomAD compares: East Asian, 0.0022%; no homozygotes.

Submission:

Labcorp Genetics (formerly Invitae), Labcorp
Classification: Uncertain significance. Last evaluated: 2024-06-26. Review status: criteria provided, single submitter. Criteria: Invitae Variant Classification Sherloc (09022015). Collection method: clinical testing. Allele origin: germline.
Comment: This sequence change replaces arginine, which is basic and polar, with cysteine, which is neutral and slightly polar, at codon 445 of the KIF20A protein (p.Arg445Cys). This variant is present in population databases (rs771283364, gnomAD 0.003%). This variant has not been reported in the literature in individuals affected with KIF20A-related conditions. An algorithm developed to predict the effect of missense changes on protein structure and function (PolyPhen-2) suggests that this variant is likely to be disruptive. In summary, the available evidence is currently insufficient to determine the role of this variant in disease. Therefore, it has been classified as a Variant of Uncertain Significance.

NM_005733.3(KIF20A):c.1333C>T (p.Arg445Cys)

Gene: KIF20A (kinesin family member 20A; plus strand). Cytogenetic location: 5q31.2.
Variant type: single nucleotide variant.
Coding change: c.1333C>T on transcript NM_005733.3 (MANE Select); coding-DNA position 1333, C replaced by T.
Protein change: p.Arg445Cys; replaces arginine 445 with cysteine.
Molecular consequence: missense variant.
Genome position (GRCh38, 1-based): chr5:138,184,086, C>T. VCF-style: chr5-138184086-C-T. GRCh37 (hg19) VCF-style: chr5-137519775-C-T.
Other names: short protein forms R445C.
Identifiers: ClinVar variation 3625803 (VCV003625803.2).